The following is an entry in ClinVar:

ClinVar aggregate classification (germline): Uncertain significance (3 of 4 stars; one submission).

Conditions:
Monogenic diabetes. Identifiers: Orphanet 183625, MedGen C3888631, MONDO:0015967.

Submission:

ClinGen Monogenic Diabetes Variant Curation Expert Panel
Classification: Uncertain significance for Monogenic diabetes. Last evaluated: 2023-05-27. Review status: reviewed by expert panel. Criteria: MDEP HNF4A Specificiations 1.0.0. Collection method: curation. Allele origin: germline. Inheritance: Autosomal dominant inheritance.
Comment: The c.209A>G variant in the Hepatocyte Nuclear Factor 4 Alpha gene, HNF4A, causes an amino acid change of Histidine to Arginine at codon 70 (p.(His70Arg)) of NM_175914.5. This variant resides in an amino acid within the HNF1α DNA binding domain that directly binds DNA, which is defined as critical for the protein’s function by the ClinGen MDEP (PM1). This variant is absent from gnomAD v2.1.1 (PM2_Supporting). This variant is predicted to be deleterious by computational evidence, with a REVEL score of 0.8529, which is greater than the MDEP VCEP threshold of 0.70 (PP3). In summary, c.209A>G meets the criteria to be classified as a Variant of Uncertain Significance for monogenic diabetes. ACMG/AMP criteria applied, as specified by the ClinGen MDEP (specification version 1.0.0, approved 11/16/2022): PM1, PM2_Supporting, PP3.

NM_175914.5(HNF4A):c.209A>G (p.His70Arg)

Gene: HNF4A (hepatocyte nuclear factor 4 alpha; plus strand). Cytogenetic location: 20q13.12.
Variant type: single nucleotide variant.
Coding change: c.209A>G on transcript NM_175914.5 (MANE Select); coding-DNA position 209, A replaced by G.
Protein change: p.His70Arg; replaces histidine 70 with arginine.
Molecular consequence: missense variant.
Genome position (GRCh38, 1-based): chr20:44,406,217, A>G. VCF-style: chr20-44406217-A-G. GRCh37 (hg19) VCF-style: chr20-43034857-A-G.
Other names: NM_175914.5:c.209A>G; c.275A>G, p.His92Arg (NM_000457.6, NM_178849.3, NM_178850.3); c.209A>G, p.His70Arg (NM_001030003.3, NM_001030004.3); c.254A>G, p.His85Arg (NM_001258355.2); c.200A>G, p.His67Arg (NM_001287182.2, NM_001287183.2, NM_001287184.2); short protein forms H67R, H70R, H85R, H92R.
Identifiers: ClinVar variation 2505493 (VCV002505493.1), dbSNP rs2515645040, ClinGen allele CA409103994.